The following is an entry in ClinVar:

NM_000368.5(TSC1):c.1152A>G (p.Lys384=)

Gene: TSC1 (TSC complex subunit 1; minus strand). Cytogenetic location: 9q34.13.
Variant type: single nucleotide variant.
Coding change: c.1152A>G on transcript NM_000368.5 (MANE Select); coding-DNA position 1152, A replaced by G.
Protein change: p.Lys384=; no amino-acid change (lysine 384 retained).
Molecular consequence: synonymous variant.
Genome position (GRCh38, 1-based): chr9:132,910,682, T>C on the plus strand (A>G on the coding strand, the complement: TSC1 is on the minus strand). VCF-style: chr9-132910682-T-C. GRCh37 (hg19) VCF-style: chr9-135786069-T-C.
Other names: c.1149A>G, p.Lys383= (NM_001162426.2); c.999A>G, p.Lys333= (NM_001162427.2); c.789A>G, p.Lys263= (NM_001362177.2).
Identifiers: ClinVar variation 510225 (VCV000510225.3), dbSNP rs1554817165, ClinGen allele CA467593296.

ClinVar aggregate classification (germline): Likely benign. Review status: criteria provided, multiple submitters, no conflicts (2 of 4 stars). 2 submissions from 2 submitters: Likely benign (2). Last evaluated 2023-08-11.

Conditions:
Hereditary cancer-predisposing syndrome. Also called: Hereditary neoplastic syndrome; Hereditary Cancer Syndrome; Neoplastic Syndromes, Hereditary; Tumor predisposition. Identifiers: Orphanet 140162, MedGen C0027672, MeSH D009386, MONDO:0015356.

Submissions (2):

Ambry Genetics
Classification: Likely benign for Hereditary cancer-predisposing syndrome. Last evaluated: 2023-08-11. Review status: criteria provided, single submitter. Criteria: Ambry Variant Classification Scheme 2023. Collection method: clinical testing. Allele origin: germline.

GeneDx
Classification: Likely benign. Last evaluated: 2017-06-21. Review status: criteria provided, single submitter. Criteria: GeneDx Variant Classification (06012015). Collection method: clinical testing. Allele origin: germline. Affected: yes.
Comment: This variant is considered likely benign or benign based on one or more of the following criteria: it is a conservative change, it occurs at a poorly conserved position in the protein, it is predicted to be benign by multiple in silico algorithms, and/or has population frequency not consistent with disease.